The following is an entry in ClinVar:

ClinVar aggregate classification (germline): Uncertain significance (1 of 4 stars; one submission).

Conditions:
Spastic paraplegia. Identifiers: MedGen C0037772, HP:0001258.

Allele frequency attached by ClinVar (database versions not stated): TOPMed below 0.00001; ExAC 0.00001; gnomAD 0.00001; gnomAD exomes 0.00001.
gnomAD v4.1: 9 of 1,612,568 alleles (0.00056%); highest among the groups gnomAD compares: East Asian, 0.0067%; no homozygotes.

Submission:

Labcorp Genetics (formerly Invitae), Labcorp
Classification: Uncertain significance for Spastic paraplegia. Last evaluated: 2022-07-09. Review status: criteria provided, single submitter. Criteria: Invitae Variant Classification Sherloc (09022015). Collection method: clinical testing. Allele origin: germline.
Comment: This sequence change replaces glycine, which is neutral and non-polar, with aspartic acid, which is acidic and polar, at codon 2152 of the SACS protein (p.Gly2152Asp). This variant is present in population databases (rs758143914, gnomAD 0.009%). This variant has not been reported in the literature in individuals affected with SACS-related conditions. Algorithms developed to predict the effect of missense changes on protein structure and function are either unavailable or do not agree on the potential impact of this missense change (SIFT: "Deleterious"; PolyPhen-2: "Probably Damaging"; Align-GVGD: "Class C0"). In summary, the available evidence is currently insufficient to determine the role of this variant in disease. Therefore, it has been classified as a Variant of Uncertain Significance.

NM_014363.6(SACS):c.6455G>A (p.Gly2152Asp)

Gene: SACS (sacsin molecular chaperone; minus strand). Cytogenetic location: 13q12.12.
Variant type: single nucleotide variant.
Coding change: c.6455G>A on transcript NM_014363.6 (MANE Select); coding-DNA position 6455, G replaced by A.
Protein change: p.Gly2152Asp; replaces glycine 2152 with aspartic acid.
Molecular consequence: missense variant.
Genome position (GRCh38, 1-based): chr13:23,337,421, C>T on the plus strand (G>A on the coding strand, the complement: SACS is on the minus strand). VCF-style: chr13-23337421-C-T. GRCh37 (hg19) VCF-style: chr13-23911560-C-T.
Other names: c.6014G>A, p.Gly2005Asp (NM_001278055.2); short protein forms G2152D, G2005D.
Identifiers: ClinVar variation 2160775 (VCV002160775.1), dbSNP rs758143914, ClinGen allele CA6911079.